The following is an entry in ClinVar:

ClinVar aggregate classification (germline): Uncertain significance (1 of 4 stars; one submission).

Conditions:
Cardiovascular phenotype. Identifiers: MedGen CN230736.

Submission:

Ambry Genetics
Classification: Uncertain significance for Cardiovascular phenotype. Last evaluated: 2022-10-09. Review status: criteria provided, single submitter. Criteria: Ambry Variant Classification Scheme 2023. Collection method: clinical testing. Allele origin: germline.
Comment: The p.L813R variant (also known as c.2438T>G), located in coding exon 17 of the TRPM4 gene, results from a T to G substitution at nucleotide position 2438. The leucine at codon 813 is replaced by arginine, an amino acid with dissimilar properties. This amino acid position is conserved. In addition, this alteration is predicted to be tolerated by in silico analysis. Since supporting evidence is limited at this time, the clinical significance of this alteration remains unclear.

NM_017636.4(TRPM4):c.2438T>G (p.Leu813Arg)

Gene: TRPM4 (transient receptor potential cation channel subfamily M member 4; plus strand). Cytogenetic location: 19q13.33.
Variant type: single nucleotide variant.
Coding change: c.2438T>G on transcript NM_017636.4 (MANE Select); coding-DNA position 2438, T replaced by G.
Protein change: p.Leu813Arg; replaces leucine 813 with arginine.
Molecular consequence: missense variant. On other transcripts: intron variant (1).
Genome position (GRCh38, 1-based): chr19:49,196,667, T>G. VCF-style: chr19-49196667-T-G. GRCh37 (hg19) VCF-style: chr19-49699924-T-G.
Other names: c.2093T>G, p.Leu698Arg (NM_001321281.2); c.830T>G, p.Leu277Arg (NM_001321282.2); c.1916T>G, p.Leu639Arg (NM_001321283.2); c.1376T>G, p.Leu459Arg (NM_001321285.2); c.2211-3633T>G (NM_001195227.2); short protein forms L698R, L813R, L459R, L639R, L277R.
Identifiers: ClinVar variation 1791264 (VCV001791264.2), dbSNP rs1326542808, ClinGen allele CA406809229.